The following is an entry in ClinVar:

ClinVar aggregate classification (germline): Uncertain significance. Review status: criteria provided, multiple submitters, no conflicts (2 of 4 stars). 4 submissions from 4 submitters: Uncertain significance (4). Last evaluated 2025-11-13.

Conditions:
Hereditary cancer-predisposing syndrome. Also called: Hereditary Cancer Syndrome; Tumor predisposition; Hereditary neoplastic syndrome; Neoplastic Syndromes, Hereditary. Identifiers: Orphanet 140162, MedGen C0027672, MeSH D009386, MONDO:0015356.
Neuroblastoma, susceptibility to, 3. Also called: ALK-Related Neuroblastic Tumor Susceptibility. Identifiers: Orphanet 635, MedGen C2751681, MONDO:0013083, OMIM 613014.

Allele frequency attached by ClinVar (database versions not stated): gnomAD exomes below 0.00001; TOPMed below 0.00001.
gnomAD v4.1: 2 of 1,613,534 alleles (0.00012%); highest among the groups gnomAD compares: Non-Finnish European, 0.00017%; no homozygotes.

Submissions (4):

Labcorp Genetics (formerly Invitae), Labcorp
Classification: Uncertain significance for Neuroblastoma, susceptibility to, 3. Last evaluated: 2025-11-13. Review status: criteria provided, single submitter. Criteria: Invitae Variant Classification Sherloc (09022015). Collection method: clinical testing. Allele origin: germline.
Comment: This sequence change replaces valine, which is neutral and non-polar, with alanine, which is neutral and non-polar, at codon 1039 of the ALK protein (p.Val1039Ala). This variant is not present in population databases (gnomAD no frequency). This variant has not been reported in the literature in individuals affected with ALK-related conditions. ClinVar contains an entry for this variant (Variation ID: 1053493). An algorithm developed to predict the effect of missense changes on protein structure and function (PolyPhen-2) suggests that this variant is likely to be disruptive. In summary, the available evidence is currently insufficient to determine the role of this variant in disease. Therefore, it has been classified as a Variant of Uncertain Significance.

St. Jude Molecular Pathology, St. Jude Children's Research Hospital
Classification: Uncertain significance for Neuroblastoma, susceptibility to, 3. Last evaluated: 2024-05-13. Review status: criteria provided, single submitter. Criteria: St. Jude Assertion Criteria 2020. Collection method: clinical testing. Allele origin: germline.
Comment: The ALK c.3116T>C (p.Val1039Ala) missense change is absent in gnomAD v2.1.1. The in silico tool REVEL is inconclusive about a pathogenic or benign effect of this variant on protein function, and to our knowledge functional studies have not been performed. To our knowledge, this variant has not been reported in the literature in individuals with ALK-related neuroblastic tumor susceptibility. In summary, the evidence currently available is insufficient to determine the clinical significance of this variant. It has therefore been classified as of uncertain significance.

Ambry Genetics
Classification: Uncertain significance for Hereditary cancer-predisposing syndrome. Last evaluated: 2024-05-08. Review status: criteria provided, single submitter. Criteria: Ambry Variant Classification Scheme 2023. Collection method: clinical testing. Allele origin: germline.
Comment: The p.V1039A variant (also known as c.3116T>C), located in coding exon 19 of the ALK gene, results from a T to C substitution at nucleotide position 3116. The valine at codon 1039 is replaced by alanine, an amino acid with similar properties. This amino acid position is conserved. In addition, the in silico prediction for this alteration is inconclusive. Since supporting evidence is limited at this time, the clinical significance of this alteration remains unclear.

Baylor Genetics
Classification: Uncertain significance for Neuroblastoma, susceptibility to, 3. Last evaluated: 2023-09-13. Review status: criteria provided, single submitter. Criteria: ACMG Guidelines, 2015. Collection method: clinical testing. Allele origin: unknown.

NM_004304.5(ALK):c.3116T>C (p.Val1039Ala)

Gene: ALK (ALK receptor tyrosine kinase; minus strand). Cytogenetic location: 2p23.2.
Variant type: single nucleotide variant.
Coding change: c.3116T>C on transcript NM_004304.5 (MANE Select); coding-DNA position 3116, T replaced by C.
Protein change: p.Val1039Ala; replaces valine 1039 with alanine.
Molecular consequence: missense variant.
Genome position (GRCh38, 1-based): chr2:29,225,517, A>G on the plus strand (T>C on the coding strand, the complement: ALK is on the minus strand). VCF-style: chr2-29225517-A-G. GRCh37 (hg19) VCF-style: chr2-29448383-A-G.
Other names: short protein forms V1039A.
Identifiers: ClinVar variation 1053493 (VCV001053493.12), dbSNP rs1663943658, ClinGen allele CA346466934.
Genomic context (GRCh38, chr2:29,225,517, plus strand): 5'-TCACCAATCATGATGCCGGAGAAAGCCAGGACCAGGGCGGCCACGAGGGCAGAGGTCACC[A>G]CAGAGAGGATCAGCGAGAGTGGCAGGTGTGGCTCCGGGGTGGGTGACACTGGAAGACAGG-3'
Protein context (NP_004295.2, residues 1029-1049): PHLPLSLILS[Val1039Ala]VTSALVAALV